The following is an entry in ClinVar:

ClinVar aggregate classification (germline): Likely benign. Review status: criteria provided, multiple submitters, no conflicts (2 of 4 stars). 3 submissions from 3 submitters: Likely benign (2). 1 of the submissions does not count toward it. Last evaluated 2026-09-01.

Conditions:
ITPR3-related disorder. Also called: ITPR3-related condition.

Allele frequency attached by ClinVar (database versions not stated): gnomAD exomes 0.00014; ExAC 0.00048; gnomAD 0.00087; ESP Exome Variant Server 0.00100; TOPMed 0.00117; 1000 Genomes Project 30x 0.00219; 1000 Genomes Project 0.00220.

Submissions (3):

CeGaT Center for Human Genetics Tuebingen
Classification: Likely benign. Last evaluated: 2026-09-01. Review status: criteria provided, single submitter. Criteria: CeGaT Center For Human Genetics Tuebingen Variant Classification Criteria Version 2. Collection method: clinical testing. Allele origin: germline. Affected: yes. Observed: 4 variant alleles.
Comment: ITPR3: BP4, BP7, BS1

Blueprint Genetics
Classification: Likely benign. Last evaluated: 2024-11-08. Review status: criteria provided, single submitter. Criteria: ACMG Guidelines, 2015. Collection method: clinical testing. Allele origin: germline.

PreventionGenetics, part of Exact Sciences
Classification: Likely benign for ITPR3-related condition. Last evaluated: 2019-05-02. Review status: no assertion criteria provided. Collection method: clinical testing. Allele origin: germline. Not counted in ClinVar's aggregate classification.
Comment: This variant is classified as likely benign based on ACMG/AMP sequence variant interpretation guidelines (Richards et al. 2015 PMID: 25741868, with internal and published modifications).

NM_002224.4(ITPR3):c.3987T>C (p.Gly1329=)

Gene: ITPR3 (inositol 1,4,5-trisphosphate receptor type 3; plus strand). Cytogenetic location: 6p21.31.
Variant type: single nucleotide variant.
Coding change: c.3987T>C on transcript NM_002224.4 (MANE Select); coding-DNA position 3987, T replaced by C.
Protein change: p.Gly1329=; no amino-acid change (glycine 1329 retained).
Molecular consequence: synonymous variant.
Genome position (GRCh38, 1-based): chr6:33,679,896, T>C. VCF-style: chr6-33679896-T-C. GRCh37 (hg19) VCF-style: chr6-33647673-T-C.
Other names: c.3987T>C (NM_002224.3).
Identifiers: ClinVar variation 2656498 (VCV002656498.26), dbSNP rs144727624, ClinGen allele CA3761106.